The following is an entry in ClinVar:

ClinVar aggregate classification (germline): Uncertain significance (1 of 4 stars; one submission).

Submission:

GeneDx
Classification: Uncertain significance. Last evaluated: 2024-04-19. Review status: criteria provided, single submitter. Criteria: GeneDx Variant Classification Process June 2021. Collection method: clinical testing. Allele origin: germline. Affected: yes.
Comment: Not observed at significant frequency in large population cohorts (gnomAD); In silico analysis supports that this missense variant has a deleterious effect on protein structure/function; Has not been previously published as pathogenic or benign to our knowledge

NM_014975.3(MAST1):c.2947G>A (p.Ala983Thr)

Gene: MAST1 (microtubule associated serine/threonine kinase 1; plus strand). Cytogenetic location: 19p13.13.
Variant type: single nucleotide variant.
Coding change: c.2947G>A on transcript NM_014975.3 (MANE Select); coding-DNA position 2947, G replaced by A.
Protein change: p.Ala983Thr; replaces alanine 983 with threonine.
Molecular consequence: missense variant.
Genome position (GRCh38, 1-based): chr19:12,869,239, G>A. VCF-style: chr19-12869239-G-A. GRCh37 (hg19) VCF-style: chr19-12980053-G-A.
Other names: short protein forms A983T.
Identifiers: ClinVar variation 3372823 (VCV003372823.1).